The following is an entry in ClinVar:

ClinVar aggregate classification (germline): Conflicting classifications of pathogenicity. Review status: criteria provided, conflicting classifications (1 of 4 stars). 2 submissions from 2 submitters: Uncertain significance (1); Likely benign (1). Last evaluated 2025-11-03.

Allele frequency attached by ClinVar (database versions not stated): gnomAD exomes 0.00001.
gnomAD v4.1: 8 of 1,614,182 alleles (0.0005%); highest among the groups gnomAD compares: Non-Finnish European, 0.00068%; no homozygotes.

Submissions (2):

Women's Health and Genetics/Laboratory Corporation of America, LabCorp
Classification: Likely benign. Last evaluated: 2025-11-03. Review status: criteria provided, single submitter. Criteria: LabCorp Variant Classification Summary - May 2015. Collection method: clinical testing. Allele origin: germline.

Mayo Clinic Laboratories, Mayo Clinic
Classification: Uncertain significance. Last evaluated: 2022-11-11. Review status: criteria provided, single submitter. Criteria: ACMG Guidelines, 2015. Collection method: clinical testing. Allele origin: germline. Observed: 1 variant allele.
Comment: PM2

NM_006516.4(SLC2A1):c.1338C>T (p.Ile446=)

Gene: SLC2A1 (solute carrier family 2 member 1; minus strand). Cytogenetic location: 1p34.2.
Variant type: single nucleotide variant.
Coding change: c.1338C>T on transcript NM_006516.4 (MANE Select); coding-DNA position 1338, C replaced by T.
Protein change: p.Ile446=; no amino-acid change (isoleucine 446 retained).
Molecular consequence: synonymous variant.
Genome position (GRCh38, 1-based): chr1:42,927,182, G>A on the plus strand (C>T on the coding strand, the complement: SLC2A1 is on the minus strand). VCF-style: chr1-42927182-G-A. GRCh37 (hg19) VCF-style: chr1-43392853-G-A.
Other names: p.Ile446=.
Identifiers: ClinVar variation 2683710 (VCV002683710.2), dbSNP rs2124445559, ClinGen allele CA417405101.